The following is an entry in ClinVar:

ClinVar aggregate classification (germline): Likely pathogenic. Review status: criteria provided, single submitter (1 of 4 stars). 2 submissions from 2 submitters: Likely pathogenic (1). 1 of the submissions does not count toward it.

Conditions:
GLUT1 deficiency syndrome. Also called: Glucose transporter type 1 deficiency syndrome; GLUT1 DS. Identifiers: MedGen C1847501, MONDO:0000188.
Dystonia 9 (DYT9). Also called: CHOREOATHETOSIS, KINESIGENIC, WITH EPISODIC ATAXIA AND SPASTICITY. Identifiers: Orphanet 53583, MedGen C1832855, MONDO:0010983, OMIM 601042.

Submissions (2):

Neuberg Centre For Genomic Medicine, NCGM
Classification: Likely pathogenic for Dystonia 9. Review status: criteria provided, single submitter. Criteria: ACMG Guidelines, 2015. Collection method: clinical testing. Allele origin: germline. Inheritance: Autosomal dominant inheritance. Affected: yes.
Comment: The stop gain variant c.194G>A (p.Trp65Ter) in SLC2A1 gene has not been reported previously as a pathogenic variant nor as a benign variant, to our knowledge. The c.194G>A variant is novel in gnomAD Exomes and 1000 Genomes. The nucleotide change c.194G>A in SLC2A1 is predicted as conserved by GERP++ and PhyloP across 100 vertebrates. This variant is predicted to cause loss of normal protein function. Loss of function variants have been previously reported to be disease causing. For these reasons, this variant has been classified as Likely Pathogenic .

Molecular Genetics Laboratory, BC Children's and BC Women's Hospitals
Classification: Pathogenic for GLUT1 deficiency syndrome. Last evaluated: 2026-07-06. Review status: no assertion criteria provided. Criteria: ACMG Guidelines, 2015. Collection method: clinical testing. Allele origin: unknown. Affected: yes. Not counted in ClinVar's aggregate classification.

NM_006516.4(SLC2A1):c.194G>A (p.Trp65Ter)

Gene: SLC2A1 (solute carrier family 2 member 1; minus strand). Cytogenetic location: 1p34.2.
Variant type: single nucleotide variant.
Coding change: c.194G>A on transcript NM_006516.4 (MANE Select); coding-DNA position 194, G replaced by A.
Protein change: p.Trp65Ter; replaces tryptophan 65 with a stop codon.
Molecular consequence: nonsense.
Genome position (GRCh38, 1-based): chr1:42,931,127, C>T on the plus strand (G>A on the coding strand, the complement: SLC2A1 is on the minus strand). VCF-style: chr1-42931127-C-T. GRCh37 (hg19) VCF-style: chr1-43396798-C-T.
Other names: short protein forms W65*.
Identifiers: ClinVar variation 2585125 (VCV002585125.2), dbSNP rs2524999434, ClinGen allele CA339962096.
Genomic context (GRCh38, chr1:42,931,127, plus strand): 5'-AGGCCCACAGAGAAGGAGCCAATCATGCCCCCAACAGAAAAGATGGCCACTGAGAGGGAC[C>T]AGAGCGTGGTGAGCGTGGTGGGCAGGATGCTCTCCCCATAGCGGTGGACCCATGTCTGGT-3'